The following is an entry in ClinVar:

ClinVar aggregate classification (germline): Benign/Likely benign. Review status: criteria provided, multiple submitters, no conflicts (2 of 4 stars). 4 submissions from 4 submitters: Benign (3); Likely benign (1). Last evaluated 2026-06-01.

Conditions:
Inborn genetic diseases. Identifiers: MedGen C0950123, MeSH D030342.

Allele frequency attached by ClinVar (database versions not stated): 1000 Genomes Project 30x 0.00156; 1000 Genomes Project 0.00160; ExAC 0.00308; ESP Exome Variant Server 0.00308; TOPMed 0.00343; gnomAD exomes 0.00345 and 0.00354; gnomAD 0.00365 and 0.00370.
gnomAD v4.1: 5,787 of 1,614,202 alleles (0.36%); highest among the groups gnomAD compares: Middle Eastern, 0.51%; 20 homozygotes.

Submissions (4):

CeGaT Center for Human Genetics Tuebingen
Classification: Benign. Last evaluated: 2026-06-01. Review status: criteria provided, single submitter. Criteria: CeGaT Center For Human Genetics Tuebingen Variant Classification Criteria Version 2. Collection method: clinical testing. Allele origin: germline. Affected: yes. Observed: 19 variant alleles.
Comment: KAT6A: BP4, BS1, BS2

Labcorp Genetics (formerly Invitae), Labcorp
Classification: Benign. Last evaluated: 2026-02-01. Review status: criteria provided, single submitter. Criteria: Invitae Variant Classification Sherloc (09022015). Collection method: clinical testing. Allele origin: germline.

GeneDx
Classification: Benign. Last evaluated: 2019-06-10. Review status: criteria provided, single submitter. Criteria: GeneDx Variant Classification Process June 2021. Collection method: clinical testing. Allele origin: germline. Affected: yes.

Ambry Genetics
Classification: Likely benign for Inborn genetic diseases. Last evaluated: 2016-10-13. Review status: criteria provided, single submitter. Criteria: Ambry Variant Classification Scheme 2023. Collection method: clinical testing. Allele origin: germline.

NM_006766.5(KAT6A):c.5913C>T (p.Asn1971=)

Gene: KAT6A (lysine acetyltransferase 6A; minus strand). Cytogenetic location: 8p11.21.
Variant type: single nucleotide variant.
Coding change: c.5913C>T on transcript NM_006766.5 (MANE Select); coding-DNA position 5913, C replaced by T.
Protein change: p.Asn1971=; no amino-acid change (asparagine 1971 retained).
Molecular consequence: synonymous variant.
Genome position (GRCh38, 1-based): chr8:41,932,307, G>A on the plus strand (C>T on the coding strand, the complement: KAT6A is on the minus strand). VCF-style: chr8-41932307-G-A. GRCh37 (hg19) VCF-style: chr8-41789825-G-A.
Identifiers: ClinVar variation 588835 (VCV000588835.44), dbSNP rs140266175, ClinGen allele CA4729227.